The following is an entry in ClinVar:

NM_001009944.3(PKD1):c.4996T>G (p.Trp1666Gly)

Gene: PKD1 (polycystin 1, transient receptor potential channel interacting; minus strand). Cytogenetic location: 16p13.3.
Variant type: single nucleotide variant.
Coding change: c.4996T>G on transcript NM_001009944.3 (MANE Select); coding-DNA position 4996, T replaced by G.
Protein change: p.Trp1666Gly; replaces tryptophan 1666 with glycine.
Molecular consequence: missense variant.
Genome position (GRCh38, 1-based): chr16:2,110,171, A>C on the plus strand (T>G on the coding strand, the complement: PKD1 is on the minus strand). VCF-style: chr16-2110171-A-C. GRCh37 (hg19) VCF-style: chr16-2160172-A-C.
Other names: c.4996T>G, p.Trp1666Gly (NM_000296.4); short protein forms W1666G.
Identifiers: ClinVar variation 4687402 (VCV004687402.1).

ClinVar aggregate classification (germline): Uncertain significance (1 of 4 stars; one submission).

Submission:

Women's Health and Genetics/Laboratory Corporation of America, LabCorp
Classification: Uncertain significance. Last evaluated: 2025-10-09. Review status: criteria provided, single submitter. Criteria: LabCorp Variant Classification Summary - May 2015. Collection method: clinical testing. Allele origin: germline.
Comment: Variant summary: PKD1 c.4996T>G (p.Trp1666Gly) results in a non-conservative amino acid change in the encoded protein sequence. Algorithms developed to predict the effect of missense changes on protein structure and function all suggest that this variant is likely to be disruptive. The variant was absent in 247058 control chromosomes. The available data on variant occurrences in the general population are insufficient to allow any conclusion about variant significance. To our knowledge, no occurrence of c.4996T>G in individuals affected with PKD1-related conditions and no experimental evidence demonstrating its impact on protein function have been reported. No submitters have cited clinical-significance assessments for this variant to ClinVar. Based on the evidence outlined above, the variant was classified as uncertain significance.